The following is an entry in ClinVar:

NM_000091.5(COL4A3):c.547G>T (p.Gly183Cys)

Genes: COL4A3 (collagen type IV alpha 3 chain; plus strand), MFF-DT (MFF divergent transcript; minus strand). Cytogenetic location: 2q36.3.
Variant type: single nucleotide variant.
Coding change: c.547G>T on transcript NM_000091.5 (MANE Select); coding-DNA position 547, G replaced by T.
Protein change: p.Gly183Cys; replaces glycine 183 with cysteine.
Molecular consequence: missense variant.
Genome position (GRCh38, 1-based): chr2:227,251,140, G>T. VCF-style: chr2-227251140-G-T. GRCh37 (hg19) VCF-style: chr2-228115856-G-T.
Other names: p.(Gly183Cys); short protein forms G183C.
Identifiers: ClinVar variation 974510 (VCV000974510.2), dbSNP rs2069716520, ClinGen allele CA350863674.

ClinVar aggregate classification (germline): Likely pathogenic. Review status: criteria provided, multiple submitters, no conflicts (2 of 4 stars). 2 submissions from 2 submitters: Likely pathogenic (2). Last evaluated 2026-03-19.

Conditions:
Autosomal dominant Alport syndrome (ATS3A). Also called: ALPORT SYNDROME 3A, AUTOSOMAL DOMINANT; Alport syndrome dominant type; Renal failure and sensorineural hearing loss. Identifiers: Orphanet 63, Orphanet 88918, MedGen C5882663, MONDO:0007086, OMIM 104200.
Autosomal recessive Alport syndrome (ATS2). Also called: ALPORT SYNDROME 2, AUTOSOMAL RECESSIVE; COL4A3-Related Nephropathy; Alport syndrome type 2; COL4A4 Alport Syndrome and Thin Basement Membrane Nephropathy. Identifiers: Orphanet 63, Orphanet 88919, MedGen C4746745, MONDO:0008762, OMIM 203780.

Submissions (2):

Centre de Génétique Humaine, Institut de Pathologie Et de Génétique
Classification: Likely pathogenic for Autosomal dominant Alport syndrome. Last evaluated: 2026-03-19. Review status: criteria provided, single submitter. Criteria: ACMG Guidelines, 2015. Collection method: clinical testing. Allele origin: germline. Inheritance: Autosomal dominant inheritance. Affected: yes. Observed: 2 variant alleles, 2 heterozygotes. Clinical features observed: Microscopic hematuria (HP:0002907), Stage 3 chronic kidney disease (HP:0012625), Stage 2 chronic kidney disease (HP:0012624). Segregation with disease not observed.
Comment: This missense variant involves a highly conserved glycine located in a ‘Gly-X-Y’ motif in collagenous region, which is characteristic of the pathogenic variants identified in the COL4A3 gene (PM1,PP2). This variant is rare: absent in gnomAD v4.1.0 database (PM2); In silico analysis supports that this missense variant has a deleterious effect (PP3). (PP5)

Molecular Biology Laboratory, Fundació Puigvert
Classification: Likely pathogenic for Autosomal recessive Alport syndrome. Last evaluated: 2020-02-01. Review status: criteria provided, single submitter. Criteria: ACMG Guidelines, 2015. Collection method: research. Allele origin: inherited. Affected: yes. Study: KidneyPanel_2020.

Literature cited by the submitters: PubMed 33532864 (cited by Centre de Génétique Humaine, Institut de Pathologie Et de Génétique and Molecular Biology Laboratory, Fundació Puigvert).